The following is an entry in ClinVar:

ClinVar aggregate classification (germline): Likely pathogenic (1 of 4 stars; one submission).

Conditions:
Inborn genetic diseases. Identifiers: MedGen C0950123, MeSH D030342.

Submission:

Ozbek Human Genetics Laboratory, Izmir Biomedicine and Genome Center
Classification: Likely pathogenic for Inborn genetic diseases. Last evaluated: 2025-09-09. Review status: criteria provided, single submitter. Criteria: ACMG Guidelines, 2015. Collection method: research. Allele origin: unknown. Affected: yes.
Comment: A heterozygous p.Tyr1126* stop-gain variant was detected in exon 5 of the BSN gene (NM_003458.4). This variant has not been previously reported in population databases (PM2). The variant introduces a premature stop codon in exon 5 of the 12-exon gene, and the resulting transcript is predicted to undergo nonsense-mediated decay (NMD) (PVS1). Based on this information, this variant is classified as likely pathogenic according to ACMG criteria. Although the BSN gene is not associated with any syndrome in the OMIM database, studies have reported that monoallelic and biallelic variants in the BSN gene—which encodes the Bassoon protein functioning in the presynaptic complex—are associated with febrile convulsions and epilepsy. Furthermore, an epilepsy phenotype has been demonstrated in mouse models generated for this gene. It is thought that this variant can explain the patient's febrile convulsions. Data obtained via the RAREBOOST project (Horizon 2020 ERA Chairs at Izmir Biomedicine and Genome Center - IBG)

Literature cited by the submitters: PubMed 36600631; PubMed 40393460; PubMed 39616287; PubMed 37838005.

NM_003458.4(BSN):c.3378C>G (p.Tyr1126Ter)

Gene: BSN (bassoon presynaptic cytomatrix protein; plus strand). Cytogenetic location: 3p21.31.
Variant type: single nucleotide variant.
Coding change: c.3378C>G on transcript NM_003458.4 (MANE Select); coding-DNA position 3378, C replaced by G.
Protein change: p.Tyr1126Ter; replaces tyrosine 1126 with a stop codon.
Molecular consequence: nonsense.
Genome position (GRCh38, 1-based): chr3:49,652,934, C>G. VCF-style: chr3-49652934-C-G. GRCh37 (hg19) VCF-style: chr3-49690367-C-G.
Other names: short protein forms Y1126*.
Identifiers: ClinVar variation 5016482 (VCV005016482.1).